The following is an entry in ClinVar:

ClinVar aggregate classification (germline): Uncertain significance (1 of 4 stars; one submission).

Conditions:
Epileptic encephalopathy. Identifiers: MedGen C0543888, HP:0200134.

gnomAD v4.1: 2 of 1,612,728 alleles (0.00012%); highest among the groups gnomAD compares: Non-Finnish European, 0.00017%; no homozygotes.

Submission:

Labcorp Genetics (formerly Invitae), Labcorp
Classification: Uncertain significance for Epileptic encephalopathy. Last evaluated: 2022-01-27. Review status: criteria provided, single submitter. Criteria: Invitae Variant Classification Sherloc (09022015). Collection method: clinical testing. Allele origin: germline.
Comment: In summary, the available evidence is currently insufficient to determine the role of this variant in disease. Therefore, it has been classified as a Variant of Uncertain Significance. Algorithms developed to predict the effect of missense changes on protein structure and function are either unavailable or do not agree on the potential impact of this missense change (SIFT: "Deleterious"; PolyPhen-2: "Probably Damaging"; Align-GVGD: "Class C0"). This variant has not been reported in the literature in individuals affected with FASN-related conditions. This variant is not present in population databases (gnomAD no frequency). This sequence change replaces alanine, which is neutral and non-polar, with valine, which is neutral and non-polar, at codon 1783 of the FASN protein (p.Ala1783Val).

NM_004104.5(FASN):c.5348C>T (p.Ala1783Val)

Gene: FASN (fatty acid synthase; minus strand). Cytogenetic location: 17q25.3.
Variant type: single nucleotide variant.
Coding change: c.5348C>T on transcript NM_004104.5 (MANE Select); coding-DNA position 5348, C replaced by T.
Protein change: p.Ala1783Val; replaces alanine 1783 with valine.
Molecular consequence: missense variant.
Genome position (GRCh38, 1-based): chr17:82,083,419, G>A on the plus strand (C>T on the coding strand, the complement: FASN is on the minus strand). VCF-style: chr17-82083419-G-A. GRCh37 (hg19) VCF-style: chr17-80041295-G-A.
Other names: short protein forms A1783V.
Identifiers: ClinVar variation 1921861 (VCV001921861.5), dbSNP rs1028465425, ClinGen allele CA295127458.